The following is an entry in ClinVar:

NM_014727.3(KMT2B):c.1085A>G (p.Asp362Gly)

Gene: KMT2B (lysine methyltransferase 2B; plus strand). Cytogenetic location: 19q13.12.
Variant type: single nucleotide variant.
Coding change: c.1085A>G on transcript NM_014727.3 (MANE Select); coding-DNA position 1085, A replaced by G.
Protein change: p.Asp362Gly; replaces aspartic acid 362 with glycine.
Molecular consequence: missense variant.
Genome position (GRCh38, 1-based): chr19:35,720,432, A>G. VCF-style: chr19-35720432-A-G. GRCh37 (hg19) VCF-style: chr19-36211334-A-G.
Other names: short protein forms D362G.
Identifiers: ClinVar variation 1804798 (VCV001804798.1), dbSNP rs764517352, ClinGen allele CA9384174.
Genomic context (GRCh38, chr19:35,720,432, plus strand): 5'-GAAGAGTTGGATCTGGACAGGGAGGGAGCCCTTGCTGGAAAAAGCAGGAACAGAAGCTGG[A>G]TGACGAGGAAGAAGAGAAGAAAGAAGAAGAAGAAAAAGACAAGGAGGGAGAAGAGAAGGA-3'
Protein context (NP_055542.1, residues 352-372): PCWKKQEQKL[Asp362Gly]DEEEEKKEEE

ClinVar aggregate classification (germline): Uncertain significance (1 of 4 stars; one submission).

Allele frequency attached by ClinVar (database versions not stated): gnomAD exomes below 0.00001; TOPMed 0.00003; gnomAD 0.00004.
gnomAD v4.1: 9 of 1,556,682 alleles (0.00058%); highest among the groups gnomAD compares: African/African-American, 0.012%; no homozygotes.

Submission:

Women's Health and Genetics/Laboratory Corporation of America, LabCorp
Classification: Uncertain significance. Last evaluated: 2022-11-01. Review status: criteria provided, single submitter. Criteria: LabCorp Variant Classification Summary - May 2015. Collection method: clinical testing. Allele origin: germline.
Comment: Variant summary: KMT2B c.1085A>G (p.Asp362Gly) results in a non-conservative amino acid change in the encoded protein sequence. Four of five in-silico tools predict a benign effect of the variant on protein function. The variant was absent in 164306 control chromosomes. The available data on variant occurrences in the general population are insufficient to allow any conclusion about variant significance. To our knowledge, no occurrence of c.1085A>G in individuals affected with Dystonia 28, Childhood-Onset and no experimental evidence demonstrating its impact on protein function have been reported. No clinical diagnostic laboratories have submitted clinical-significance assessments for this variant to ClinVar after 2014. Based on the evidence outlined above, the variant was classified as uncertain significance.